The following is an entry in ClinVar:

ClinVar aggregate classification (germline): Likely benign (0 of 4 stars; one submission).

Conditions:
MYO9B-related disorder. Also called: MYO9B-related condition.

Allele frequency attached by ClinVar (database versions not stated): TOPMed 0.00002; gnomAD 0.00004; gnomAD exomes 0.00008; ExAC 0.00020; 1000 Genomes Project 30x 0.00094; 1000 Genomes Project 0.00120.
gnomAD v4.1: 132 of 1,613,768 alleles (0.0082%); highest among the groups gnomAD compares: South Asian, 0.11%; 1 homozygote.

Submission:

PreventionGenetics, part of Exact Sciences
Classification: Likely benign for MYO9B-related condition. Last evaluated: 2019-11-16. Review status: no assertion criteria provided. Collection method: clinical testing. Allele origin: germline.
Comment: This variant is classified as likely benign based on ACMG/AMP sequence variant interpretation guidelines (Richards et al. 2015 PMID: 25741868, with internal and published modifications).

NM_004145.4(MYO9B):c.5019C>T (p.Cys1673=)

Gene: MYO9B (myosin IXB; plus strand). Cytogenetic location: 19p13.11.
Variant type: single nucleotide variant.
Coding change: c.5019C>T on transcript NM_004145.4 (MANE Select); coding-DNA position 5019, C replaced by T.
Protein change: p.Cys1673=; no amino-acid change (cysteine 1673 retained).
Molecular consequence: synonymous variant.
Genome position (GRCh38, 1-based): chr19:17,205,291, C>T. VCF-style: chr19-17205291-C-T. GRCh37 (hg19) VCF-style: chr19-17316100-C-T.
Other names: c.5019C>T, p.Cys1673= (NM_001130065.2).
Identifiers: ClinVar variation 3048095 (VCV003048095.2), dbSNP rs543470706, ClinGen allele CA9288394.